The following is an entry in ClinVar:

ClinVar aggregate classification (germline): Uncertain significance (1 of 4 stars; one submission).

Conditions:
Noonan syndrome (NS). Also called: Noonan's syndrome. Identifiers: Orphanet 648, MedGen C0028326, MeSH D009634, MONDO:0018997. Disease mechanism: gain of function.

Allele frequency attached by ClinVar (database versions not stated): gnomAD 0.00001; TOPMed 0.00001.
gnomAD v4.1: 33 of 1,613,020 alleles (0.002%); highest among the groups gnomAD compares: South Asian, 0.0055%; no homozygotes.

Submission:

Labcorp Genetics (formerly Invitae), Labcorp
Classification: Uncertain significance for Noonan syndrome. Last evaluated: 2022-06-22. Review status: criteria provided, single submitter. Criteria: Invitae Variant Classification Sherloc (09022015). Collection method: clinical testing. Allele origin: germline.
Comment: In summary, the available evidence is currently insufficient to determine the role of this variant in disease. Therefore, it has been classified as a Variant of Uncertain Significance. Algorithms developed to predict the effect of sequence changes on RNA splicing suggest that this variant may create or strengthen a splice site. This variant has not been reported in the literature in individuals affected with RRAS-related conditions. This variant is present in population databases (no rsID available, gnomAD 0.006%). This sequence change falls in intron 3 of the RRAS gene. It does not directly change the encoded amino acid sequence of the RRAS protein.

NM_006270.5(RRAS):c.345-14G>A

Gene: RRAS (RAS related; minus strand). Cytogenetic location: 19q13.33.
Variant type: single nucleotide variant.
Coding change: c.345-14G>A on transcript NM_006270.5 (MANE Select); 14 bases into the intron before coding-DNA position 345, G replaced by A.
Molecular consequence: intron variant.
Genome position (GRCh38, 1-based): chr19:49,636,741, C>T on the plus strand (G>A on the coding strand, the complement: RRAS is on the minus strand). VCF-style: chr19-49636741-C-T. GRCh37 (hg19) VCF-style: chr19-50139998-C-T.
Identifiers: ClinVar variation 2057672 (VCV002057672.4), dbSNP rs1199131412, ClinGen allele CA633893075.
Genomic context (GRCh38, chr19:49,636,741, plus strand): 5'-CCTTGACCCGCAGAATCTGCGTGAAGAGCTTGCCCACCTCGTTGAAACTGCGAGTGAAGC[C>T]GGAGGCATGAGGTCCAGCCAGCTGCAGAGCCCAGGTCCTCCCCACACCCACCCACTGCTC-3'